The following is an entry in ClinVar:

NM_001365276.2(TNXB):c.3270C>T (p.Asp1090=)

Gene: TNXB (tenascin XB; minus strand). Cytogenetic location: 6p21.33.
Variant type: single nucleotide variant.
Coding change: c.3270C>T on transcript NM_001365276.2 (MANE Select); coding-DNA position 3270, C replaced by T.
Protein change: p.Asp1090=; no amino-acid change (aspartic acid 1090 retained).
Molecular consequence: synonymous variant.
Genome position (GRCh38, 1-based): chr6:32,084,588, G>A on the plus strand (C>T on the coding strand, the complement: TNXB is on the minus strand). VCF-style: chr6-32084588-G-A. GRCh37 (hg19) VCF-style: chr6-32052365-G-A.
Other names: c.4011C>T, p.Asp1337= (NM_001428335.1); c.3270C>T, p.Asp1090= (NM_019105.8).
Identifiers: ClinVar variation 4085412 (VCV004085412.8).

ClinVar aggregate classification (germline): Likely benign (1 of 4 stars; one submission).

Submission:

CeGaT Center for Human Genetics Tuebingen
Classification: Likely benign. Last evaluated: 2025-07-01. Review status: criteria provided, single submitter. Criteria: CeGaT Center For Human Genetics Tuebingen Variant Classification Criteria Version 2. Collection method: clinical testing. Allele origin: germline. Affected: yes. Observed: 1 variant allele.
Comment: TNXB: PM2:Supporting, BP4, BP7